The following is an entry in ClinVar:

ClinVar aggregate classification (germline): Uncertain significance (1 of 4 stars; one submission).

Allele frequency attached by ClinVar (database versions not stated): TOPMed below 0.00001.

Submission:

Labcorp Genetics (formerly Invitae), Labcorp
Classification: Uncertain significance. Last evaluated: 2023-12-11. Review status: criteria provided, single submitter. Criteria: Invitae Variant Classification Sherloc (09022015). Collection method: clinical testing. Allele origin: germline.
Comment: This sequence change replaces aspartic acid, which is acidic and polar, with glycine, which is neutral and non-polar, at codon 435 of the TF protein (p.Asp435Gly). This variant is not present in population databases (gnomAD no frequency). This variant has not been reported in the literature in individuals affected with TF-related conditions. ClinVar contains an entry for this variant (Variation ID: 1485707). Algorithms developed to predict the effect of missense changes on protein structure and function output the following: SIFT: "Not Available"; PolyPhen-2: "Benign"; Align-GVGD: "Not Available". The glycine amino acid residue is found in multiple mammalian species, which suggests that this missense change does not adversely affect protein function. In summary, the available evidence is currently insufficient to determine the role of this variant in disease. Therefore, it has been classified as a Variant of Uncertain Significance.

NM_001063.4(TF):c.1304A>G (p.Asp435Gly)

Gene: TF (transferrin; plus strand). Cytogenetic location: 3q22.1.
Variant type: single nucleotide variant.
Coding change: c.1304A>G on transcript NM_001063.4 (MANE Select); coding-DNA position 1304, A replaced by G.
Protein change: p.Asp435Gly; replaces aspartic acid 435 with glycine.
Molecular consequence: missense variant.
Genome position (GRCh38, 1-based): chr3:133,764,881, A>G. VCF-style: chr3-133764881-A-G. GRCh37 (hg19) VCF-style: chr3-133483725-A-G.
Other names: c.1172A>G, p.Asp391Gly (NM_001354703.2); c.923A>G, p.Asp308Gly (NM_001354704.2); short protein forms D435G, D391G, D308G.
Identifiers: ClinVar variation 1485707 (VCV001485707.8), dbSNP rs1934089397, ClinGen allele CA354608439.